The following is an entry in ClinVar:

NM_002519.3(NPAT):c.3719C>A (p.Ser1240Tyr)

Gene: NPAT (nuclear protein, coactivator of histone transcription; minus strand). Cytogenetic location: 11q22.3.
Variant type: single nucleotide variant.
Coding change: c.3719C>A on transcript NM_002519.3 (MANE Select); coding-DNA position 3719, C replaced by A.
Protein change: p.Ser1240Tyr; replaces serine 1240 with tyrosine.
Molecular consequence: missense variant.
Genome position (GRCh38, 1-based): chr11:108,161,367, G>T on the plus strand (C>A on the coding strand, the complement: NPAT is on the minus strand). VCF-style: chr11-108161367-G-T. GRCh37 (hg19) VCF-style: chr11-108032094-G-T.
Other names: c.3740C>A, p.Ser1247Tyr (NM_001321307.1); short protein forms S1240Y, S1247Y.
Identifiers: ClinVar variation 1734262 (VCV001734262.2), dbSNP rs919965832, ClinGen allele CA382510197.

ClinVar aggregate classification (germline): Uncertain significance (1 of 4 stars; one submission).

Submission:

Ambry Genetics
Classification: Uncertain significance. Last evaluated: 2022-02-27. Review status: criteria provided, single submitter. Criteria: Ambry Variant Classification Scheme 2023. Collection method: clinical testing. Allele origin: germline.
Comment: The p.S1240Y variant (also known as c.3719C>A), located in coding exon 17 of the NPAT gene, results from a C to A substitution at nucleotide position 3719. The serine at codon 1240 is replaced by tyrosine, an amino acid with dissimilar properties. This amino acid position is conserved. In addition, this alteration is predicted to be tolerated by in silico analysis. Since supporting evidence is limited at this time, the clinical significance of this alteration remains unclear.